The following is an entry in ClinVar:

NM_000497.4(CYP11B1):c.1121G>C (p.Arg374Pro)

Genes: CYP11B1 (cytochrome P450 family 11 subfamily B member 1; minus strand), LOC106799833 (CYP11B1 recombination region; plus strand). Cytogenetic location: 8q24.3.
Variant type: single nucleotide variant.
Coding change: c.1121G>C on transcript NM_000497.4 (MANE Select); coding-DNA position 1121, G replaced by C.
Protein change: p.Arg374Pro; replaces arginine 374 with proline.
Molecular consequence: missense variant.
Genome position (GRCh38, 1-based): chr8:142,875,712, C>G on the plus strand (G>C on the coding strand, the complement: CYP11B1 is on the minus strand). VCF-style: chr8-142875712-C-G. GRCh37 (hg19) VCF-style: chr8-143957128-C-G.
Other names: c.1121G>C, p.Arg374Pro (NM_001026213.1); short protein forms R374P.
Identifiers: ClinVar variation 1928586 (VCV001928586.6), dbSNP rs104894062, ClinGen allele CA372393346.

ClinVar aggregate classification (germline): Uncertain significance. Review status: criteria provided, multiple submitters, no conflicts (2 of 4 stars). 2 submissions from 2 submitters: Uncertain significance (2). Last evaluated 2024-04-05.

Conditions:
Deficiency of steroid 11-beta-monooxygenase (CYP11B1). Also called: ADRENAL HYPERPLASIA IV; ADRENAL HYPERPLASIA, CONGENITAL, DUE TO STEROID 11-BETA-HYDROXYLASE DEFICIENCY; P450C11B1 DEFICIENCY; STEROID 11-BETA-HYDROXYLASE DEFICIENCY; Congenital adrenal hyperplasia due to 11-beta-hydroxylase deficiency; 11-BETA-HYDROXYLASE DEFICIENCY. Identifiers: Orphanet 90795, MedGen C0268292, MONDO:0008729, OMIM 202010. Disease mechanism: loss of function.
Glucocorticoid-remediable aldosteronism. Also called: GLUCOCORTICOID-SUPPRESSIBLE HYPERALDOSTERONISM; FH I; Hyperaldosteronism, familial, type I; ACTH-DEPENDENT HYPERALDOSTERONISM SYNDROME; ALDOSTERONISM, SENSITIVE TO DEXAMETHASONE. Identifiers: Orphanet 403, MedGen C3838731, MONDO:0007080, OMIM 103900.

Submissions (2):

Labcorp Genetics (formerly Invitae), Labcorp
Classification: Uncertain significance. Last evaluated: 2024-04-05. Review status: criteria provided, single submitter. Criteria: Invitae Variant Classification Sherloc (09022015). Collection method: clinical testing. Allele origin: germline.
Comment: This sequence change affects codon 374 of the CYP11B1 mRNA. It is a 'silent' change, meaning that it does not change the encoded amino acid sequence of the CYP11B1 protein. This variant also falls at the last nucleotide of exon 6, which is part of the consensus splice site for this exon. This variant is present in population databases (no rsID available, gnomAD 0.006%). This variant has not been reported in the literature in individuals affected with CYP11B1-related conditions. ClinVar contains an entry for this variant (Variation ID: 1928586). An algorithm developed to predict the effect of missense changes on protein structure and function (PolyPhen-2) suggests that this variant is likely to be disruptive. Variants that disrupt the consensus splice site are a relatively common cause of aberrant splicing (PMID: 17576681, 9536098). Algorithms developed to predict the effect of sequence changes on RNA splicing suggest that this variant may disrupt the consensus splice site. In summary, the available evidence is currently insufficient to determine the role of this variant in disease. Therefore, it has been classified as a Variant of Uncertain Significance.

Fulgent Genetics
Classification: Uncertain significance for Glucocorticoid-remediable aldosteronism; Deficiency of steroid 11-beta-monooxygenase. Last evaluated: 2024-01-16. Review status: criteria provided, single submitter. Criteria: ACMG Guidelines, 2015. Collection method: clinical testing. Allele origin: germline.

Literature cited by the submitters: PubMed 17576681 (cited by Labcorp Genetics (formerly Invitae), Labcorp); PubMed 9536098 (cited by Labcorp Genetics (formerly Invitae), Labcorp).